The following is an entry in ClinVar:

NM_006269.2(RP1):c.139dup (p.Gln47fs)

Gene: RP1 (RP1 axonemal microtubule associated; plus strand). Cytogenetic location: 8q12.1.
Variant type: Duplication.
Coding change: c.139dup on transcript NM_006269.2 (MANE Select); coding-DNA position 139, one base duplicated (C; older notation c.139dupC).
Protein change: p.Gln47fs; shifts the reading frame from glutamine 47.
Molecular consequence: frameshift variant.
Genome position (GRCh38, 1-based): chr8:54,621,105, C duplicated; the last of 5 consecutive C bases (chr8:54,621,101-54,621,105); duplicating any one gives the same sequence. VCF-style (leftmost placement, unchanged base first): chr8-54621100-A-AC. GRCh37 (hg19) VCF-style: chr8-55533660-A-AC.
Other names: c.139dupC (NM_006269.1); c.139dup, p.Gln47fs (NM_001375654.1); short protein forms Q47fs.
Identifiers: ClinVar variation 958417 (VCV000958417.11), dbSNP rs751635650, ClinGen allele CA4751086.

ClinVar aggregate classification (germline): Pathogenic/Likely pathogenic. Review status: criteria provided, multiple submitters, no conflicts (2 of 4 stars). 5 submissions from 5 submitters: Pathogenic (4); Likely pathogenic (1). Last evaluated 2025-08-25.

Conditions:
Retinitis pigmentosa 1 (RP1). Identifiers: Orphanet 791, MedGen C0220701, MONDO:0008377, OMIM 180100.
RP1-related disorder. Also called: RP1-related condition.

Submissions (5):

PreventionGenetics, part of Exact Sciences
Classification: Pathogenic for RP1-related condition. Last evaluated: 2025-08-25. Review status: criteria provided, single submitter. Criteria: ACMG Guidelines, 2015. Collection method: clinical testing. Allele origin: germline.
Comment: The RP1 c.139dupC variant is predicted to result in a frameshift and premature protein termination (p.Gln47Profs*15). This variant has been reported in the compound heterozygous state with another loss of function variant in an individual with retinitis pigmentosa (Huckfeldt et al. 2020. PubMed ID: 32565670; Hanany et al. 2020. PubMed ID: 31964843; Gao et al. 2002. PubMed ID: 11960024; Chen et al. 2009. PubMed ID: 19933189). This variant is reported in 0.0062% of alleles in individuals of African descent in gnomAD. Frameshift variants in RP1 are expected to be pathogenic. This variant is interpreted as pathogenic.

3billion
Classification: Pathogenic for Retinitis pigmentosa 1. Last evaluated: 2025-04-16. Review status: criteria provided, single submitter. Criteria: ACMG Guidelines, 2015. Collection method: clinical testing. Allele origin: germline. Affected: yes.
Comment: The variant is observed at an extremely low frequency in the gnomAD v4.1.0 dataset (total allele frequency: 0.001%). Predicted Consequence/Location: Frameshift: predicted to result in a loss or disruption of normal protein function through nonsense-mediated decay (NMD) or protein truncation. Multiple pathogenic variants are reported downstream of the variant. The variant was homozygous . The variant has been reported at least twice as pathogenic with clinical assertions and evidence for the classification (ClinVar ID: VCV000958417 / PMID: 32565670). Therefore, this variant is classified as Pathogenic according to the recommendation of ACMG/AMP guideline.

GeneDx
Classification: Pathogenic. Last evaluated: 2023-06-23. Review status: criteria provided, single submitter. Criteria: GeneDx Variant Classification Process June 2021. Collection method: clinical testing. Allele origin: germline. Affected: yes.
Comment: Frameshift variant predicted to result in protein truncation or nonsense mediated decay]in a gene for which loss of function is a known mechanism of disease; Not observed at significant frequency in large population cohorts (gnomAD); This variant is associated with the following publications: (PMID: 31964843, 32565670)

Blueprint Genetics
Classification: Likely pathogenic for RP1-related disorders. Last evaluated: 2022-03-11. Review status: criteria provided, single submitter. Criteria: ACMG Guidelines, 2015. Collection method: clinical testing. Allele origin: germline. Affected: yes. Observed: 3 variant alleles.

Labcorp Genetics (formerly Invitae), Labcorp
Classification: Pathogenic. Last evaluated: 2022-03-09. Review status: criteria provided, single submitter. Criteria: Invitae Variant Classification Sherloc (09022015). Collection method: clinical testing. Allele origin: germline.
Comment: For these reasons, this variant has been classified as Pathogenic. ClinVar contains an entry for this variant (Variation ID: 958417). This premature translational stop signal has been observed in individual(s) with autosomal recessive retinitis pigmentosa (PMID: 32565670). This variant is present in population databases (rs751635650, gnomAD 0.007%). This sequence change creates a premature translational stop signal (p.Gln47Profs*15) in the RP1 gene. It is expected to result in an absent or disrupted protein product. Loss-of-function variants in RP1 are known to be pathogenic (PMID: 11960024, 19933189).

Literature cited by the submitters: PubMed 32565670 (cited by 3billion and Labcorp Genetics (formerly Invitae), Labcorp); PubMed 11960024 (cited by Labcorp Genetics (formerly Invitae), Labcorp); PubMed 19933189 (cited by Labcorp Genetics (formerly Invitae), Labcorp).